The following is an entry in ClinVar:

NM_001320.7(CSNK2B):c.560T>G (p.Leu187Arg)

Gene: CSNK2B (casein kinase 2 beta; plus strand). Cytogenetic location: 6p21.33.
Variant type: single nucleotide variant.
Coding change: c.560T>G on transcript NM_001320.7 (MANE Select); coding-DNA position 560, T replaced by G.
Protein change: p.Leu187Arg; replaces leucine 187 with arginine.
Molecular consequence: missense variant.
Genome position (GRCh38, 1-based): chr6:31,669,838, T>G. VCF-style: chr6-31669838-T-G. GRCh37 (hg19) VCF-style: chr6-31637615-T-G.
Other names: c.560T>G (NM_001320.6); c.551T>G, p.Leu184Arg (NM_001282385.2); short protein forms L184R, L187R.
Identifiers: ClinVar variation 1333706 (VCV001333706.5), dbSNP rs1802055133, ClinGen allele CA363479394.

ClinVar aggregate classification (germline): Pathogenic/Likely pathogenic. Review status: criteria provided, multiple submitters, no conflicts (2 of 4 stars). 5 submissions from 5 submitters: Pathogenic (1); Likely pathogenic (4). Last evaluated 2026-02-07.

Conditions:
Poirier-Bienvenu neurodevelopmental syndrome (POBINDS). Identifiers: Orphanet 689397, MedGen C5231482, MONDO:0032889, OMIM 618732.
CSNK2B-Related Neurodevelopmental Disorder. Identifiers: MedGen CN381062.

Submissions (5):

GeneDx
Classification: Likely pathogenic. Last evaluated: 2026-02-07. Review status: criteria provided, single submitter. Criteria: GeneDx Variant Classification Process June 2021. Collection method: clinical testing. Allele origin: germline.
Comment: Not observed at significant frequency in large population cohorts (gnomAD); In silico analysis supports that this missense variant has a deleterious effect on protein structure/function; This variant is associated with the following publications: (PMID: 31784560, 39843441)

Rady Children's Institute for Genomic Medicine, Rady Children's Hospital San Diego
Classification: Likely pathogenic for CSNK2B-related neurodevelopmental disorder. Last evaluated: 2025-08-11. Review status: criteria provided, single submitter. Criteria: ACMG Guidelines, 2015. Collection method: clinical testing. Allele origin: germline. Affected: yes.
Comment: The CSNK2B gene is constrained against variation (Z-score= 3.78 and pLI = 1), and missense variants are a common mechanism of disease (HGMD, ClinVar database; PMID: 39236211). The c.560T>G (p.Leu187Arg) variant affects a moderately conserved amino acid and is predicted by multiple in silico tools to have a deleterious effect on protein function. This variant has been previously reported as a de novo heterozygous change in a patient with features consistent with CSNK2B-related neurodevelopmental disorder (PMID: 31784560). The c.560T>G (p.Leu187Arg) variant is absent from the latest version of the gnomAD population database and thus is presumed to be rare. Based on parental analysis, this variant likely occurred as a de novo event. Based on the available evidence, c.560T>G (p.Leu187Arg) is classified as Likely Pathogenic.

Mendelics
Classification: Likely pathogenic for Poirier-Bienvenu neurodevelopmental syndrome. Last evaluated: 2022-05-04. Review status: criteria provided, single submitter. Criteria: Mendelics Assertion Criteria 2019. Collection method: clinical testing. Allele origin: germline.

Institute of Human Genetics, University of Leipzig Medical Center
Classification: Likely pathogenic for Poirier-Bienvenu neurodevelopmental syndrome. Last evaluated: 2022-01-25. Review status: criteria provided, single submitter. Criteria: ACMG Guidelines, 2015. Collection method: clinical testing. Allele origin: de novo. Affected: yes.
Comment: This variant was identified as de novo (maternity and paternity confirmed)._x000D_ Criteria applied: PS2_MOD, PS4_SUP, PM2_SUP, PM5_SUP, PP2, PP3

3billion
Classification: Pathogenic for Poirier-Bienvenu neurodevelopmental syndrome. Last evaluated: 2022-01-03. Review status: criteria provided, single submitter. Criteria: ACMG Guidelines, 2015. Collection method: clinical testing. Allele origin: germline. Affected: yes. Observed: 1 heterozygote.
Comment: Same nucleotide change resulting in same amino acid change has been previously reported as pathogenic/likely pathogenic with strong evidence (PMID: 31784560, PS1_S). It has been previously reported as de novo in a similarly affected individual (PMID: 31784560, PS2_S). A different missense change at the same codon has been reported as pathogenic/likely pathogenic with strong evidence (ClinVar ID: VCV000982375, PM5_M). In silico tool predictions suggest damaging effect of the variant on gene or gene product (REVEL: 0.699, 3CNET: 0.989, PP3_P). It is not observed in the gnomAD v2.1.1 dataset (PM2_M). Therefore, this variant is classified as pathogenic according to the recommendation of ACMG/AMP guideline.

Literature cited by the submitters: PubMed 31784560 (cited by Rady Children's Institute for Genomic Medicine, Rady Children's Hospital San Diego and 3billion).